The following is an entry in ClinVar:

NM_004787.4(SLIT2):c.3592C>T (p.Leu1198=)

Gene: SLIT2 (slit guidance ligand 2; plus strand). Cytogenetic location: 4p15.31.
Variant type: single nucleotide variant.
Coding change: c.3592C>T on transcript NM_004787.4 (MANE Select); coding-DNA position 3592, C replaced by T.
Protein change: p.Leu1198=; no amino-acid change (leucine 1198 retained).
Molecular consequence: synonymous variant.
Genome position (GRCh38, 1-based): chr4:20,598,295, C>T. VCF-style: chr4-20598295-C-T. GRCh37 (hg19) VCF-style: chr4-20599918-C-T.
Other names: c.3580C>T, p.Leu1194= (NM_001289135.3); c.3568C>T, p.Leu1190= (NM_001289136.3).
Identifiers: ClinVar variation 3052989 (VCV003052989.3), dbSNP rs149600791, ClinGen allele CA2872224.

ClinVar aggregate classification (germline): Likely benign. Review status: criteria provided, single submitter (1 of 4 stars). 2 submissions from 2 submitters: Likely benign (1). 1 of the submissions does not count toward it. Last evaluated 2026-01-04.

Conditions:
SLIT2-related disorder. Also called: SLIT2-related condition.

Allele frequency attached by ClinVar (database versions not stated): gnomAD exomes 0.00001; ExAC 0.00007; ESP Exome Variant Server 0.00023; gnomAD 0.00023; TOPMed 0.00032.
gnomAD v4.1: 59 of 1,613,972 alleles (0.0037%); highest among the groups gnomAD compares: African/African-American, 0.067%; no homozygotes.

Submissions (2):

Labcorp Genetics (formerly Invitae), Labcorp
Classification: Likely benign. Last evaluated: 2026-01-04. Review status: criteria provided, single submitter. Criteria: Invitae Variant Classification Sherloc (09022015). Collection method: clinical testing. Allele origin: germline.

PreventionGenetics, part of Exact Sciences
Classification: Likely benign for SLIT2-related condition. Last evaluated: 2019-08-29. Review status: no assertion criteria provided. Collection method: clinical testing. Allele origin: germline. Not counted in ClinVar's aggregate classification.
Comment: This variant is classified as likely benign based on ACMG/AMP sequence variant interpretation guidelines (Richards et al. 2015 PMID: 25741868, with internal and published modifications).